The following is an entry in ClinVar:

ClinVar aggregate classification (germline): Uncertain significance (1 of 4 stars; one submission).

Conditions:
Cardiovascular phenotype. Identifiers: MedGen CN230736.

Submission:

Ambry Genetics
Classification: Uncertain significance for Cardiovascular phenotype. Last evaluated: 2025-07-21. Review status: criteria provided, single submitter. Criteria: Ambry Variant Classification Scheme 2023. Collection method: clinical testing. Allele origin: germline.
Comment: The p.C213S variant (also known as c.637T>A), located in coding exon 2 of the TNXB gene, results from a T to A substitution at nucleotide position 637. The cysteine at codon 213 is replaced by serine, an amino acid with dissimilar properties. This amino acid position is conserved. In addition, this alteration is predicted to be deleterious by in silico analysis. Based on the available evidence, the clinical significance of this variant remains unclear.

NM_001365276.2(TNXB):c.637T>A (p.Cys213Ser)

Gene: TNXB (tenascin XB; minus strand). Cytogenetic location: 6p21.33.
Variant type: single nucleotide variant.
Coding change: c.637T>A on transcript NM_001365276.2 (MANE Select); coding-DNA position 637, T replaced by A.
Protein change: p.Cys213Ser; replaces cysteine 213 with serine.
Molecular consequence: missense variant.
Genome position (GRCh38, 1-based): chr6:32,097,216, A>T on the plus strand (T>A on the coding strand, the complement: TNXB is on the minus strand). VCF-style: chr6-32097216-A-T. GRCh37 (hg19) VCF-style: chr6-32064993-A-T.
Other names: c.637T>A, p.Cys213Ser (NM_001428335.1, NM_019105.8); short protein forms C213S.
Identifiers: ClinVar variation 4188700 (VCV004188700.1).
Genomic context (GRCh38, chr6:32,097,216, plus strand): 5'-ACACGCCCTGCACGCAGCGCCCACGGCCTTGGCAGTCCCCGGGACAGGATGGCCAGCCAC[A>T]GCTGGGGCCAGTGTAGCCGGGAAAGCACACGCAACGACCACGGACACAGCGACCCTGATC-3'
Protein context (NP_001352205.1, residues 203-223): VCFPGYTGPS[Cys213Ser]GWPSCPGDCQ